The following is an entry in ClinVar:

ClinVar aggregate classification (germline): Uncertain significance (1 of 4 stars; one submission).

Conditions:
Capillary malformation-arteriovenous malformation syndrome. Also called: Capillary malformation-arteriovenous malformation. Identifiers: Orphanet 137667, MedGen C1842180, MONDO:0012016.

Submission:

Labcorp Genetics (formerly Invitae), Labcorp
Classification: Uncertain significance for Capillary malformation-arteriovenous malformation syndrome. Last evaluated: 2022-10-25. Review status: criteria provided, single submitter. Criteria: Invitae Variant Classification Sherloc (09022015). Collection method: clinical testing. Allele origin: germline.
Comment: Experimental studies and prediction algorithms are not available or were not evaluated, and the functional significance of this variant is currently unknown. In summary, the available evidence is currently insufficient to determine the role of this variant in disease. Therefore, it has been classified as a Variant of Uncertain Significance. This variant has not been reported in the literature in individuals affected with RASA1-related conditions. This variant is not present in population databases (gnomAD no frequency). This variant, c.17_31del, results in the deletion of 5 amino acid(s) of the RASA1 protein (p.Ala6_Glu10del), but otherwise preserves the integrity of the reading frame.

NM_002890.3(RASA1):c.17_31del (p.Ala6_Glu10del)

Gene: RASA1 (RAS p21 protein activator 1; plus strand). Cytogenetic location: 5q14.3.
Variant type: Deletion.
Coding change: c.17_31del on transcript NM_002890.3 (MANE Select); coding-DNA positions 17 to 31, 15 bases deleted (CCGGCAGTGAGGAGG).
Protein change: p.Ala6_Glu10del.
Molecular consequence: inframe deletion.
Genome position (GRCh38, 1-based): chr5:87,268,468-87,268,482, CCGGCAGTGAGGAGG deleted; deleting any 15 consecutive bases within chr5:87,268,464-87,268,482 gives the same sequence; the c. name uses the placement nearest the transcript's 3' end. VCF-style (leftmost placement, unchanged base first): chr5-87268463-CGAGGCCGGCAGTGAG-C. GRCh37 (hg19) VCF-style: chr5-86564280-CGAGGCCGGCAGTGAG-C.
Identifiers: ClinVar variation 2036799 (VCV002036799.4), dbSNP rs1753662630, ClinGen allele CA1561546459.
Genomic context (GRCh38, chr5:87,268,463, plus strand): 5'-CTGGGGCTCCCGGGCGGGCAGGGTAGGGCAGAGTAGAGCGGGCTTCAACATGATGGCGGC[CGAGGCCGGCAGTGAG>C]GAGGGCGGCCCGGTAACAGCCGGAGCTGGAGGAGGCGGCGCGGCAGCGGGCTCCAGTGCC-3'